The following is an entry in ClinVar:

NM_001386298.1(CIC):c.5508C>T (p.Ala1836=)

Gene: CIC (capicua transcriptional repressor; plus strand). Cytogenetic location: 19q13.2.
Variant type: single nucleotide variant.
Coding change: c.5508C>T on transcript NM_001386298.1 (MANE Select); coding-DNA position 5508, C replaced by T.
Protein change: p.Ala1836=; no amino-acid change (alanine 1836 retained).
Molecular consequence: synonymous variant.
Genome position (GRCh38, 1-based): chr19:42,291,640, C>T. VCF-style: chr19-42291640-C-T. GRCh37 (hg19) VCF-style: chr19-42795792-C-T.
Other names: c.5508C>T, p.Ala1836= (NM_001304815.2, NM_001379480.1, NM_001379482.1); c.2781C>T, p.Ala927= (NM_001379484.1, NM_001379485.1, NM_015125.5).
Identifiers: ClinVar variation 727696 (VCV000727696.28), dbSNP rs61745381, ClinGen allele CA9472363.
Genomic context (GRCh38, chr19:42,291,640, plus strand): 5'-GGCCCCGCCCCCGGGTGGCTCAGCCCAGCTGCTGCCTGGGAAGGTCCTAGTGCCTCTGGC[C>T]GCCCCTAGCATGTCAGTGCGGGGTGGAGGGGCCGGCCAGCCACTGCCACTGGTGAGCCCG-3'
Protein context (NP_001373227.1, residues 1826-1846): LLPGKVLVPL[Ala1836=]APSMSVRGGG

ClinVar aggregate classification (germline): Benign/Likely benign. Review status: criteria provided, multiple submitters, no conflicts (2 of 4 stars). 4 submissions from 4 submitters: Benign (2); Likely benign (1). 1 of the submissions does not count toward it. Last evaluated 2024-11-25.

Conditions:
CIC-related disorder. Also called: CIC-related condition.

Allele frequency attached by ClinVar (database versions not stated): ESP Exome Variant Server 0.00258; 1000 Genomes Project 0.00300; gnomAD 0.00303; 1000 Genomes Project 30x 0.00328; TOPMed 0.00363.
gnomAD v4.1: 995 of 1,612,970 alleles (0.062%); highest among the groups gnomAD compares: African/African-American, 1.1%; 6 homozygotes.

Submissions (4):

Blueprint Genetics
Classification: Likely benign. Last evaluated: 2024-11-25. Review status: criteria provided, single submitter. Criteria: ACMG Guidelines, 2015. Collection method: clinical testing. Allele origin: germline.

CeGaT Center for Human Genetics Tuebingen
Classification: Benign. Last evaluated: 2024-06-01. Review status: criteria provided, single submitter. Criteria: CeGaT Center For Human Genetics Tuebingen Variant Classification Criteria Version 2. Collection method: clinical testing. Allele origin: germline. Affected: yes. Observed: 2 variant alleles.
Comment: CIC: BP4, BP7, BS1, BS2

Labcorp Genetics (formerly Invitae), Labcorp
Classification: Benign. Last evaluated: 2019-12-31. Review status: criteria provided, single submitter. Criteria: Invitae Variant Classification Sherloc (09022015). Collection method: clinical testing. Allele origin: germline.

PreventionGenetics, part of Exact Sciences
Classification: Benign for CIC-related condition. Last evaluated: 2021-06-15. Review status: no assertion criteria provided. Collection method: clinical testing. Allele origin: germline. Not counted in ClinVar's aggregate classification.
Comment: This variant is classified as benign based on ACMG/AMP sequence variant interpretation guidelines (Richards et al. 2015 PMID: 25741868, with internal and published modifications).